The following is an entry in ClinVar:

ClinVar aggregate classification (germline): Uncertain significance (1 of 4 stars; one submission).

Conditions:
Cardiovascular phenotype. Identifiers: MedGen CN230736.

Submission:

Ambry Genetics
Classification: Uncertain significance for Cardiovascular phenotype. Last evaluated: 2024-08-31. Review status: criteria provided, single submitter. Criteria: Ambry Variant Classification Scheme 2023. Collection method: clinical testing. Allele origin: germline.
Comment: The p.T1236S variant (also known as c.3706A>T), located in coding exon 31 of the ANK2 gene, results from an A to T substitution at nucleotide position 3706. The threonine at codon 1236 is replaced by serine, an amino acid with similar properties. This amino acid position is conserved. In addition, the in silico prediction for this alteration is inconclusive. Based on the available evidence, the clinical significance of this variant remains unclear.

NM_001148.6(ANK2):c.3706A>T (p.Thr1236Ser)

Gene: ANK2 (ankyrin 2; plus strand). Cytogenetic location: 4q26.
Variant type: single nucleotide variant.
Coding change: c.3706A>T on transcript NM_001148.6 (MANE Select); coding-DNA position 3706, A replaced by T.
Protein change: p.Thr1236Ser; replaces threonine 1236 with serine.
Molecular consequence: missense variant.
Genome position (GRCh38, 1-based): chr4:113,336,691, A>T. VCF-style: chr4-113336691-A-T. GRCh37 (hg19) VCF-style: chr4-114257847-A-T.
Other names: c.3679A>T, p.Thr1227Ser (NM_001127493.3); c.3718A>T, p.Thr1240Ser (NM_001354225.2); c.3607A>T, p.Thr1203Ser (NM_001354228.2, NM_001354258.2); c.3685A>T, p.Thr1229Ser (NM_001354230.2); c.3748A>T, p.Thr1250Ser (NM_001354231.2, NM_001354242.2); c.3742A>T, p.Thr1248Ser (NM_001354232.2); c.3703A>T, p.Thr1235Ser (NM_001354235.2, NM_001354246.2, NM_001354265.2); c.3604A>T, p.Thr1202Ser (NM_001354236.2); and 31 more; short protein forms T1075S, T1141S, T1169S, T1174S, T1191S, T1202S, T1219S, T1250S.
Identifiers: ClinVar variation 3539646 (VCV003539646.1).